The following is an entry in ClinVar:

NM_181336.4(LEMD2):c.77C>A (p.Thr26Asn)

Genes: LEMD2 (LEM domain nuclear envelope protein 2; minus strand), LOC129996186 (ATAC-STARR-seq lymphoblastoid silent region 17057; plus strand). Cytogenetic location: 6p21.31.
Variant type: single nucleotide variant.
Coding change: c.77C>A on transcript NM_181336.4 (MANE Select); coding-DNA position 77, C replaced by A.
Protein change: p.Thr26Asn; replaces threonine 26 with asparagine.
Molecular consequence: missense variant. On other transcripts: 5 prime UTR variant (1).
Genome position (GRCh38, 1-based): chr6:33,789,040, G>T on the plus strand (C>A on the coding strand, the complement: LEMD2 is on the minus strand). VCF-style: chr6-33789040-G-T. GRCh37 (hg19) VCF-style: chr6-33756817-G-T.
Other names: c.-436C>A (NM_001348709.2); c.77C>A, p.Thr26Asn (NM_001348710.2); short protein forms T26N.
Identifiers: ClinVar variation 776125 (VCV000776125.33), dbSNP rs201742534, ClinGen allele CA3763359.

ClinVar aggregate classification (germline): Likely benign. Review status: criteria provided, multiple submitters, no conflicts (2 of 4 stars). 5 submissions from 5 submitters: Likely benign (4). 1 of the submissions does not count toward it. Last evaluated 2025-08-18.

Conditions:
LEMD2-related disorder. Also called: LEMD2-related condition.

Allele frequency attached by ClinVar (database versions not stated): 1000 Genomes Project 30x 0.00062; 1000 Genomes Project 0.00100; gnomAD 0.00109 and 0.00127; ESP Exome Variant Server 0.00115; ExAC 0.00184; TOPMed 0.00198.
gnomAD v4.1: 2,079 of 1,558,060 alleles (0.13%); highest among the groups gnomAD compares: Middle Eastern, 0.59%; 8 homozygotes.

Submissions (5):

Labcorp Genetics (formerly Invitae), Labcorp
Classification: Likely benign. Last evaluated: 2025-08-18. Review status: criteria provided, single submitter. Criteria: Invitae Variant Classification Sherloc (09022015). Collection method: clinical testing. Allele origin: germline.

Blueprint Genetics
Classification: Likely benign. Last evaluated: 2024-11-26. Review status: criteria provided, single submitter. Criteria: ACMG Guidelines, 2015. Collection method: clinical testing. Allele origin: germline.

CeGaT Center for Human Genetics Tuebingen
Classification: Likely benign. Last evaluated: 2024-04-01. Review status: criteria provided, single submitter. Criteria: CeGaT Center For Human Genetics Tuebingen Variant Classification Criteria Version 2. Collection method: clinical testing. Allele origin: germline. Affected: yes. Observed: 1 variant allele.
Comment: LEMD2: PP2, BS2

Breakthrough Genomics
Classification: Likely benign. Review status: criteria provided, single submitter. Criteria: ACMG Guidelines, 2015. Collection method: not provided. Allele origin: germline. Inheritance: Autosomal recessive inheritance. Affected: yes.

PreventionGenetics, part of Exact Sciences
Classification: Likely benign for LEMD2-related condition. Last evaluated: 2022-11-23. Review status: no assertion criteria provided. Collection method: clinical testing. Allele origin: germline. Not counted in ClinVar's aggregate classification.
Comment: This variant is classified as likely benign based on ACMG/AMP sequence variant interpretation guidelines (Richards et al. 2015 PMID: 25741868, with internal and published modifications).